The following is an entry in ClinVar:

ClinVar aggregate classification (germline): Uncertain significance (1 of 4 stars; one submission).

Conditions:
Muscular dystrophy-dystroglycanopathy type B6 (MDDGB6). Also called: MUSCULAR DYSTROPHY, CONGENITAL, LARGE-RELATED; MUSCULAR DYSTROPHY, CONGENITAL, TYPE 1D; MUSCULAR DYSTROPHY-DYSTROGLYCANOPATHY (CONGENITAL WITH IMPAIRED INTELLECTUAL DEVELOPMENT), TYPE B, 6. Identifiers: MedGen C1837229, MONDO:0012138, OMIM 608840.

Submission:

Labcorp Genetics (formerly Invitae), Labcorp
Classification: Uncertain significance for Muscular dystrophy-dystroglycanopathy type B6. Last evaluated: 2021-06-11. Review status: criteria provided, single submitter. Criteria: Invitae Variant Classification Sherloc (09022015). Collection method: clinical testing. Allele origin: germline.
Comment: In summary, the available evidence is currently insufficient to determine the role of this variant in disease. Therefore, it has been classified as a Variant of Uncertain Significance. Algorithms developed to predict the effect of missense changes on protein structure and function are either unavailable or do not agree on the potential impact of this missense change (SIFT: "Deleterious"; PolyPhen-2: "Probably Damaging"; Align-GVGD: "Class C0"). This variant has not been reported in the literature in individuals with LARGE1-related conditions. This variant is not present in population databases (ExAC no frequency). This sequence change replaces leucine with tryptophan at codon 16 of the LARGE1 protein (p.Leu16Trp). The leucine residue is moderately conserved and there is a small physicochemical difference between leucine and tryptophan.

NM_133642.5(LARGE1):c.47T>G (p.Leu16Trp)

Gene: LARGE1 (LARGE xylosyl- and glucuronyltransferase 1; minus strand). Cytogenetic location: 22q12.3.
Variant type: single nucleotide variant.
Coding change: c.47T>G on transcript NM_133642.5 (MANE Select); coding-DNA position 47, T replaced by G.
Protein change: p.Leu16Trp; replaces leucine 16 with tryptophan.
Molecular consequence: missense variant.
Genome position (GRCh38, 1-based): chr22:33,761,430, A>C on the plus strand (T>G on the coding strand, the complement: LARGE1 is on the minus strand). VCF-style: chr22-33761430-A-C. GRCh37 (hg19) VCF-style: chr22-34157417-A-C.
Other names: c.47T>G, p.Leu16Trp (NM_001362949.2, NM_001362951.2, NM_001362953.2 and 7 more transcripts); short protein forms L16W.
Identifiers: ClinVar variation 1492964 (VCV001492964.8), dbSNP rs2145729155, ClinGen allele CA411547244.